The following is an entry in ClinVar:

NM_001079866.2(BCS1L):c.401_402del (p.Ser134fs)

Gene: BCS1L (BCS1 ubiquinol-cytochrome c reductase complex chaperone; plus strand). Cytogenetic location: 2q35.
Variant type: Deletion.
Coding change: c.401_402del on transcript NM_001079866.2 (MANE Select); coding-DNA positions 401 to 402, 2 bases deleted (CT; older notation c.401_402delCT).
Protein change: p.Ser134fs; shifts the reading frame from serine 134.
Molecular consequence: frameshift variant. On other transcripts: 5 prime UTR variant (5), non-coding transcript variant (1), intron variant (1).
Genome position (GRCh38, 1-based): chr2:218,661,486-218,661,487, CT deleted; deleting any 2 consecutive bases within chr2:218,661,485-218,661,487 gives the same sequence; the c. name uses the placement nearest the transcript's 3' end. VCF-style (leftmost placement, unchanged base first): chr2-218661484-ATC-A. GRCh37 (hg19) VCF-style: chr2-219526207-ATC-A.
Other names: c.401_402del, p.Ser134fs (NM_001257342.2, NM_001257343.2, NM_001257344.2 and 10 more transcripts); c.41_42del, p.Ser14fs (NM_001318836.2, NM_001371451.1); c.-76_-75del (NM_001371453.1, NM_001371454.1, NM_001371455.1 and 2 more transcripts); c.-41-273_-41-272del (NM_001371452.1); c.401_402del (NM_004328.4); short protein forms S134fs, S14fs.
Identifiers: ClinVar variation 3240923 (VCV003240923.2), dbSNP rs748561443.

ClinVar aggregate classification (germline): Likely pathogenic. Review status: criteria provided, multiple submitters, no conflicts (2 of 4 stars). 2 submissions from 2 submitters: Likely pathogenic (2). Last evaluated 2025-08-14.

Conditions:
GRACILE syndrome (FLNMS). Also called: FELLMAN SYNDROME; FINNISH LETHAL NEONATAL METABOLIC SYNDROME. Identifiers: Orphanet 53693, MedGen C1864002, MONDO:0011308, OMIM 603358.
Pili torti-deafness syndrome (BJS). Also called: PILI TORTI AND NERVE DEAFNESS; Bjornstad syndrome. Identifiers: Orphanet 123, MedGen C0266006, MONDO:0009872, OMIM 262000.

Submissions (2):

Natera, Inc.
Classification: Likely pathogenic for GRACILE syndrome. Last evaluated: 2025-08-14. Review status: criteria provided, single submitter. Criteria: Natera Variant Classification Schema (03/2026). Collection method: clinical testing. Allele origin: germline.
Comment: The c.401_402del variant in BCS1L is a frameshift variant predicted to shift the reading frame beginning at codon 134 and leads to a stop codon 9 codons downstream. This variant is expected to result in nonsense mediated decay, truncation, or a dysfunctional protein product. This variant is rare in the general population with a frequency below the threshold expected for the associated phenotype(s). Given the available evidence, this variant is classified as Likely Pathogenic.

Baylor Genetics
Classification: Likely pathogenic for Pili torti-deafness syndrome. Last evaluated: 2024-01-28. Review status: criteria provided, single submitter. Criteria: ACMG Guidelines, 2015. Collection method: clinical testing. Allele origin: unknown.